The following is an entry in ClinVar:

NM_015533.4(TKFC):c.1333G>A (p.Gly445Ser)

Gene: TKFC (triokinase and FMN cyclase; plus strand). Cytogenetic location: 11q12.2.
Variant type: single nucleotide variant.
Coding change: c.1333G>A on transcript NM_015533.4 (MANE Select); coding-DNA position 1333, G replaced by A.
Protein change: p.Gly445Ser; replaces glycine 445 with serine.
Molecular consequence: missense variant.
Genome position (GRCh38, 1-based): chr11:61,345,352, G>A. VCF-style: chr11-61345352-G-A. GRCh37 (hg19) VCF-style: chr11-61112824-G-A.
Other names: c.1333G>A, p.Gly445Ser (NM_001351976.2, NM_001351977.2, NM_001351978.2 and 1 more transcripts); c.1123G>A, p.Gly375Ser (NM_001351980.2); short protein forms G445S, G375S.
Identifiers: ClinVar variation 816700 (VCV000816700.7), dbSNP rs1590578831, ClinGen allele CA380680639.

ClinVar aggregate classification (germline): Likely pathogenic. Review status: criteria provided, single submitter (1 of 4 stars). 2 submissions from 2 submitters: Likely pathogenic (1). 1 of the submissions does not count toward it. Last evaluated 2020-01-02.

Conditions:
TKFC deficiency.
Inborn errors of metabolism. Also called: Inborn error of metabolism. Identifiers: Orphanet 68367, MedGen C0025521, MONDO:0019052.
Triokinase and FMN cyclase deficiency syndrome. Identifiers: MedGen C5394125, MONDO:0032927, OMIM 618805.

Submissions (2):

Translational Omics Lab  at Great Ormond Street Institute of Child Health, University College London
Classification: Likely pathogenic for Inborn error of metabolism; TKFC deficiency. Last evaluated: 2020-01-02. Review status: criteria provided, single submitter. Criteria: ACMG Guidelines, 2015. Collection method: clinical testing, research. Allele origin: inherited, not applicable. Inheritance: Autosomal recessive inheritance. Affected: yes. Observed: 2 variant alleles, 2 homozygotes. Clinical features observed: Developmental cataract (HP:0000519), Global developmental delay (HP:0001263), Decreased liver function (HP:0001410). Functional consequence: variation affecting protein function.
Comment: This NM_015533.3, c.1333G>A; p.Gly445Ser was observed as a homozygous variant in two individuals in one consanguineous family. This variant affects a highly conserved residue and is absent from large population databases. It is predicted damaging by multiple in silico programs, and functional assays supports its deleterious effect on protein function (this p.Gly445Ser mutant human protein abolishes protein activity of TKFC in both E.coli and Yeast assays). This variant meets the classification criteria of likely pathogenic: absent from controls, highly conserved, segregates with the phenotype, supportive functional assays.

OMIM
Classification: Pathogenic for TRIOKINASE AND FMN CYCLASE DEFICIENCY SYNDROME. Last evaluated: 2020-10-20. Review status: no assertion criteria provided. Collection method: literature only. Allele origin: germline. Not counted in ClinVar's aggregate classification.

Literature cited by the submitters: PubMed 32004446 (cited by OMIM).